The following is an entry in ClinVar:

ClinVar aggregate classification (germline): Uncertain significance. Review status: criteria provided, multiple submitters, no conflicts (2 of 4 stars). 2 submissions from 2 submitters: Uncertain significance (2). Last evaluated 2023-04-19.

Conditions:
Hereditary cancer-predisposing syndrome. Also called: Neoplastic Syndromes, Hereditary; Tumor predisposition; Hereditary Cancer Syndrome; Hereditary neoplastic syndrome. Identifiers: Orphanet 140162, MedGen C0027672, MeSH D009386, MONDO:0015356.
Familial adenomatous polyposis 1 (FAP1). Also called: FAMILIAL ADENOMATOUS POLYPOSIS 1, ATTENUATED; POLYPOSIS, ADENOMATOUS INTESTINAL. Identifiers: MedGen C2713442, MONDO:0021056, OMIM 175100. Disease mechanism: loss of function.

Submissions (2):

Labcorp Genetics (formerly Invitae), Labcorp
Classification: Uncertain significance for Familial adenomatous polyposis 1. Last evaluated: 2023-04-19. Review status: criteria provided, single submitter. Criteria: Invitae Variant Classification Sherloc (09022015). Collection method: clinical testing. Allele origin: germline.
Comment: Advanced modeling of protein sequence and biophysical properties (such as structural, functional, and spatial information, amino acid conservation, physicochemical variation, residue mobility, and thermodynamic stability) performed at Invitae indicates that this missense variant is not expected to disrupt APC protein function. In summary, the available evidence is currently insufficient to determine the role of this variant in disease. Therefore, it has been classified as a Variant of Uncertain Significance. ClinVar contains an entry for this variant (Variation ID: 1762056). This variant has not been reported in the literature in individuals affected with APC-related conditions. This variant is not present in population databases (gnomAD no frequency). This sequence change replaces asparagine, which is neutral and polar, with serine, which is neutral and polar, at codon 2705 of the APC protein (p.Asn2705Ser).

Ambry Genetics
Classification: Uncertain significance for Hereditary cancer-predisposing syndrome. Last evaluated: 2020-01-10. Review status: criteria provided, single submitter. Criteria: Ambry Variant Classification Scheme 2023. Collection method: clinical testing. Allele origin: germline.
Comment: The p.N2705S variant (also known as c.8114A>G), located in coding exon 15 of the APC gene, results from an A to G substitution at nucleotide position 8114. The asparagine at codon 2705 is replaced by serine, an amino acid with highly similar properties. This amino acid position is not well conserved in available vertebrate species. In addition, in silico predictors for this gene do not accurately predict pathogenicity. Since supporting evidence is limited at this time, the clinical significance of this alteration remains unclear.

NM_000038.6(APC):c.8114A>G (p.Asn2705Ser)

Gene: APC (APC regulator of Wnt signaling pathway; plus strand). Cytogenetic location: 5q22.2.
Variant type: single nucleotide variant.
Coding change: c.8114A>G on transcript NM_000038.6 (MANE Select); coding-DNA position 8114, A replaced by G.
Protein change: p.Asn2705Ser; replaces asparagine 2705 with serine.
Molecular consequence: missense variant.
Genome position (GRCh38, 1-based): chr5:112,843,708, A>G. VCF-style: chr5-112843708-A-G. GRCh37 (hg19) VCF-style: chr5-112179405-A-G.
Other names: c.8114A>G, p.Asn2705Ser (NM_001127510.3, NM_001354895.2, NM_001407450.1); c.8060A>G, p.Asn2687Ser (NM_001127511.3); c.8168A>G, p.Asn2723Ser (NM_001354896.2, NM_001407447.1, NM_001407448.1 and 1 more transcripts); c.8144A>G, p.Asn2715Ser (NM_001354897.2); c.8039A>G, p.Asn2680Ser (NM_001354898.2); c.8030A>G, p.Asn2677Ser (NM_001354899.2); c.7991A>G, p.Asn2664Ser (NM_001354900.2); c.7937A>G, p.Asn2646Ser (NM_001354901.2, NM_001407453.1); and 11 more; short protein forms N2422S, N2680S, N2695S, N2698S, N2321S, N2614S, N2622S, N2646S.
Identifiers: ClinVar variation 1762056 (VCV001762056.5), dbSNP rs2149999428, ClinGen allele CA16038956.